The following is an entry in ClinVar:

ClinVar aggregate classification (germline): Uncertain significance. Review status: criteria provided, multiple submitters, no conflicts (2 of 4 stars). 2 submissions from 2 submitters: Uncertain significance (2). Last evaluated 2025-06-12.

Allele frequency attached by ClinVar (database versions not stated): 1000 Genomes Project 30x 0.00016; gnomAD exomes 0.00002; ExAC 0.00003; gnomAD 0.00003; 1000 Genomes Project 0.00020; TOPMed 0.00005.
gnomAD v4.1: 33 of 1,537,420 alleles (0.0021%); highest among the groups gnomAD compares: East Asian, 0.026%; no homozygotes.

Submissions (2):

Labcorp Genetics (formerly Invitae), Labcorp
Classification: Uncertain significance. Last evaluated: 2025-06-12. Review status: criteria provided, single submitter. Criteria: Invitae Variant Classification Sherloc (09022015). Collection method: clinical testing. Allele origin: germline.
Comment: This sequence change replaces arginine, which is basic and polar, with glutamine, which is neutral and polar, at codon 249 of the ITSN2 protein (p.Arg249Gln). This variant is present in population databases (rs185661764, gnomAD 0.06%). This variant has not been reported in the literature in individuals affected with ITSN2-related conditions. ClinVar contains an entry for this variant (Variation ID: 2003030). An algorithm developed to predict the effect of missense changes on protein structure and function (PolyPhen-2) suggests that this variant is likely to be disruptive. In summary, the available evidence is currently insufficient to determine the role of this variant in disease. Therefore, it has been classified as a Variant of Uncertain Significance.

Ambry Genetics
Classification: Uncertain significance. Last evaluated: 2024-01-08. Review status: criteria provided, single submitter. Criteria: Ambry Variant Classification Scheme 2023. Collection method: clinical testing. Allele origin: germline.

NM_006277.3(ITSN2):c.746G>A (p.Arg249Gln)

Gene: ITSN2 (intersectin 2; minus strand). Cytogenetic location: 2p23.3.
Variant type: single nucleotide variant.
Coding change: c.746G>A on transcript NM_006277.3 (MANE Select); coding-DNA position 746, G replaced by A.
Protein change: p.Arg249Gln; replaces arginine 249 with glutamine.
Molecular consequence: missense variant.
Genome position (GRCh38, 1-based): chr2:24,308,664, C>T on the plus strand (G>A on the coding strand, the complement: ITSN2 is on the minus strand). VCF-style: chr2-24308664-C-T. GRCh37 (hg19) VCF-style: chr2-24531533-C-T.
Other names: c.746G>A (NM_006277.2); c.704G>A, p.Arg235Gln (NM_001348181.2, NM_001348184.2); c.746G>A, p.Arg249Gln (NM_001348182.2, NM_001348183.2, NM_001348185.2 and 3 more transcripts); short protein forms R249Q, R235Q.
Identifiers: ClinVar variation 2003030 (VCV002003030.5), dbSNP rs185661764, ClinGen allele CA1551669.
Genomic context (GRCh38, chr2:24,308,664, plus strand): 5'-GTATGCTGCTTACCTGAGAGATATCCACTCATACTTTTGTCAAGAGTATTAAATTTTTGC[C>T]GATATTTTAATCTTGTAGGCTGAGGAACTGCCCACTCTGAGGTCCCAGTCTTGGGTGAGT-3'
Protein context (NP_006268.2, residues 239-259): AVPQPTRLKY[Arg249Gln]QKFNTLDKSM